The following is an entry in ClinVar:

NM_005458.8(GABBR2):c.1330G>T (p.Ala444Ser)

Gene: GABBR2 (gamma-aminobutyric acid type B receptor subunit 2; minus strand). Cytogenetic location: 9q22.33.
Variant type: single nucleotide variant.
Coding change: c.1330G>T on transcript NM_005458.8 (MANE Select); coding-DNA position 1330, G replaced by T.
Protein change: p.Ala444Ser; replaces alanine 444 with serine.
Molecular consequence: missense variant.
Genome position (GRCh38, 1-based): chr9:98,394,223, C>A on the plus strand (G>T on the coding strand, the complement: GABBR2 is on the minus strand). VCF-style: chr9-98394223-C-A. GRCh37 (hg19) VCF-style: chr9-101156505-C-A.
Other names: short protein forms A444S.
Identifiers: ClinVar variation 3257445 (VCV003257445.17).
Genomic context (GRCh38, chr9:98,394,223, plus strand): 5'-CACCTGCCTTACCTTGGAACCTGATGGTGTCATTGATGATCTCCAGTGTGTCGGCCACAG[C>A]GTTGTACTCTCCCACCTTCACCTCCCTGCTGTCTGTGGGGAGCAAAAGACAGTGGCCAGT-3'
Protein context (NP_005449.5, residues 434-454): SREVKVGEYN[Ala444Ser]VADTLEIIND

ClinVar aggregate classification (germline): Uncertain significance (1 of 4 stars; one submission).

Submission:

CeGaT Center for Human Genetics Tuebingen
Classification: Uncertain significance. Last evaluated: 2024-07-01. Review status: criteria provided, single submitter. Criteria: CeGaT Center For Human Genetics Tuebingen Variant Classification Criteria Version 2. Collection method: clinical testing. Allele origin: germline. Affected: yes. Observed: 1 variant allele.
Comment: GABBR2: PM2